The following is an entry in ClinVar:

ClinVar aggregate classification (germline): Conflicting classifications of pathogenicity. Review status: criteria provided, conflicting classifications (1 of 4 stars). 2 submissions from 2 submitters: Pathogenic (1); Uncertain significance (1). Last evaluated 2025-09-29.

Conditions:
Finnish congenital nephrotic syndrome (NPHS1). Also called: NEPHROTIC SYNDROME, TYPE 1. Identifiers: Orphanet 839, MedGen C0403399, MONDO:0009732, OMIM 256300.

Submissions (2):

Myriad Genetics, Inc.
Classification: Uncertain significance for Finnish congenital nephrotic syndrome. Last evaluated: 2025-09-29. Review status: criteria provided, single submitter. Criteria: Myriad Autosomal Dominant, Autosomal Recessive and X-Linked Classification Criteria (2023). Collection method: clinical testing. Allele origin: unknown.
Comment: NM_004646.3(NPHS1):c.2899G>A(G967R) is a missense variant classified as a variant of uncertain significance in the context of nephrotic syndrome, NPHS1-related. G967R has not been observed in cases with relevant disease. Relevant functional assessments of this variant are not available in the literature. G967R has not been observed in referenced population frequency databases. In summary, there is insufficient evidence to classify NM_004646.3(NPHS1):c.2899G>A(G967R) as pathogenic or benign. Please note: this variant was assessed in the context of healthy population screening.

Vasylyeva lab, Texas Tech University Health Sciences Center
Classification: Pathogenic for Finnish congenital nephrotic syndrome. Review status: criteria provided, single submitter. Criteria: ACMG Guidelines, 2015. Collection method: clinical testing. Allele origin: unknown. Affected: yes.

Literature cited by the submitters: PubMed 33893808 (cited by Vasylyeva lab, Texas Tech University Health Sciences Center).

NM_004646.4(NPHS1):c.2899G>A (p.Gly967Arg)

Gene: NPHS1 (NPHS1 adhesion molecule, nephrin; minus strand). Cytogenetic location: 19q13.12.
Variant type: single nucleotide variant.
Coding change: c.2899G>A on transcript NM_004646.4 (MANE Select); coding-DNA position 2899, G replaced by A.
Protein change: p.Gly967Arg; replaces glycine 967 with arginine.
Molecular consequence: missense variant.
Genome position (GRCh38, 1-based): chr19:35,839,524, C>T on the plus strand (G>A on the coding strand, the complement: NPHS1 is on the minus strand). VCF-style: chr19-35839524-C-T. GRCh37 (hg19) VCF-style: chr19-36330426-C-T.
Other names: short protein forms G967R.
Identifiers: ClinVar variation 2637929 (VCV002637929.2), dbSNP rs1973023933, ClinGen allele CA405385908.